The following is an entry in ClinVar:

ClinVar aggregate classification (germline): Conflicting classifications of pathogenicity. Review status: criteria provided, conflicting classifications (1 of 4 stars). 2 submissions from 2 submitters: Uncertain significance (1); Likely benign (1). Last evaluated 2025-05-05.

Conditions:
Hereditary cancer-predisposing syndrome. Also called: Neoplastic Syndromes, Hereditary; Hereditary neoplastic syndrome; Tumor predisposition; Hereditary Cancer Syndrome. Identifiers: Orphanet 140162, MedGen C0027672, MeSH D009386, MONDO:0015356.
DICER1-related tumor predisposition. Also called: DICER1 syndrome; DICER1-related pleuropulmonary blastoma cancer predisposition syndrome. Identifiers: Orphanet 284343, MedGen C3839822, MONDO:0100216.

Submissions (2):

Ambry Genetics
Classification: Likely benign for Hereditary cancer-predisposing syndrome. Last evaluated: 2025-05-05. Review status: criteria provided, single submitter. Criteria: Ambry Variant Classification Scheme 2023. Collection method: clinical testing. Allele origin: germline.

Labcorp Genetics (formerly Invitae), Labcorp
Classification: Uncertain significance for DICER1-related tumor predisposition. Last evaluated: 2022-09-01. Review status: criteria provided, single submitter. Criteria: Invitae Variant Classification Sherloc (09022015). Collection method: clinical testing. Allele origin: germline.
Comment: In summary, the available evidence is currently insufficient to determine the role of this variant in disease. Therefore, it has been classified as a Variant of Uncertain Significance. Algorithms developed to predict the effect of missense changes on protein structure and function (SIFT, PolyPhen-2, Align-GVGD) all suggest that this variant is likely to be tolerated. This sequence change replaces lysine, which is basic and polar, with glutamic acid, which is acidic and polar, at codon 913 of the DICER1 protein (p.Lys913Glu). This variant has not been reported in the literature in individuals affected with DICER1-related conditions. ClinVar contains an entry for this variant (Variation ID: 661974). This variant is not present in population databases (gnomAD no frequency).

NM_177438.3(DICER1):c.2737A>G (p.Lys913Glu)

Gene: DICER1 (dicer 1, ribonuclease III; minus strand). Cytogenetic location: 14q32.13.
Variant type: single nucleotide variant.
Coding change: c.2737A>G on transcript NM_177438.3 (MANE Select); coding-DNA position 2737, A replaced by G.
Protein change: p.Lys913Glu; replaces lysine 913 with glutamic acid.
Molecular consequence: missense variant.
Genome position (GRCh38, 1-based): chr14:95,107,675, T>C on the plus strand (A>G on the coding strand, the complement: DICER1 is on the minus strand). VCF-style: chr14-95107675-T-C. GRCh37 (hg19) VCF-style: chr14-95574012-T-C.
Other names: c.2737A>G, p.Lys913Glu (NM_001195573.1, NM_001271282.3, NM_001291628.2 and 1 more transcripts); short protein forms K913E.
Identifiers: ClinVar variation 661974 (VCV000661974.11), dbSNP rs1595379041, ClinGen allele CA390879551.